The following is an entry in ClinVar:

NM_003482.4(KMT2D):c.10493C>T (p.Ala3498Val)

Gene: KMT2D (lysine methyltransferase 2D; minus strand). Cytogenetic location: 12q13.12.
Variant type: single nucleotide variant.
Coding change: c.10493C>T on transcript NM_003482.4 (MANE Select); coding-DNA position 10493, C replaced by T.
Protein change: p.Ala3498Val; replaces alanine 3498 with valine.
Molecular consequence: missense variant.
Genome position (GRCh38, 1-based): chr12:49,034,424, G>A on the plus strand (C>T on the coding strand, the complement: KMT2D is on the minus strand). VCF-style: chr12-49034424-G-A. GRCh37 (hg19) VCF-style: chr12-49428207-G-A.
Other names: short protein forms A3498V.
Identifiers: ClinVar variation 4993838 (VCV004993838.1).

ClinVar aggregate classification (germline): Uncertain significance (1 of 4 stars; one submission).

Conditions:
KMT2D-related disorder. Also called: KMT2D-Related Disorders.

Submission:

PreventionGenetics, part of Exact Sciences
Classification: Uncertain significance for KMT2D-related condition. Last evaluated: 2025-12-19. Review status: criteria provided, single submitter. Criteria: ACMG Guidelines, 2015. Collection method: clinical testing. Allele origin: germline.
Comment: The KMT2D c.10493C>T variant is predicted to result in the amino acid substitution p.Ala3498Val. To our knowledge, this variant has not been reported in the literature or in population databases indicating it is rare. At this time, the clinical significance of this variant is uncertain due to the absence of conclusive functional and genetic evidence.